The following is an entry in ClinVar:

ClinVar aggregate classification (germline): Pathogenic (1 of 4 stars; one submission).

Submission:

GeneDx
Classification: Pathogenic. Last evaluated: 2019-04-01. Review status: criteria provided, single submitter. Criteria: GeneDx Variant Classification Process June 2021. Collection method: clinical testing. Allele origin: germline. Affected: yes.
Comment: Has not been previously published as pathogenic or benign to our knowledge; In silico analysis, which includes protein predictors and evolutionary conservation, supports a deleterious effect; Variant affects a Cysteine residue within a calcium-binding EGF-like domain of the FBN1 gene, which may affect disulfide bonding and is predicted to alter the structure and function of the protein; Not observed in large population cohorts (Lek et al., 2016)

NM_000138.5(FBN1):c.3635G>C (p.Cys1212Ser)

Gene: FBN1 (fibrillin 1; minus strand). Cytogenetic location: 15q21.1.
Variant type: single nucleotide variant.
Coding change: c.3635G>C on transcript NM_000138.5 (MANE Select); coding-DNA position 3635, G replaced by C.
Protein change: p.Cys1212Ser; replaces cysteine 1212 with serine.
Molecular consequence: missense variant.
Genome position (GRCh38, 1-based): chr15:48,485,451, C>G on the plus strand (G>C on the coding strand, the complement: FBN1 is on the minus strand). VCF-style: chr15-48485451-C-G. GRCh37 (hg19) VCF-style: chr15-48777648-C-G.
Other names: short protein forms C1212S.
Identifiers: ClinVar variation 387797 (VCV000387797.3), dbSNP rs1057522908, ClinGen allele CA16606967.